The following is an entry in ClinVar:

ClinVar aggregate classification (germline): Uncertain significance (1 of 4 stars; one submission).

Conditions:
SEMA3D-related disorder. Also called: SEMA3D-related condition.

Submission:

PreventionGenetics, part of Exact Sciences
Classification: Uncertain significance for SEMA3D-related condition. Last evaluated: 2026-09-26. Review status: criteria provided, single submitter. Criteria: ACMG Guidelines, 2015. Collection method: clinical testing. Allele origin: germline.
Comment: The SEMA3D c.2314C>G variant is predicted to result in the amino acid substitution p.Pro772Ala. To our knowledge, this variant has not been reported in the literature or in a large population database (gnomAD), indicating this variant is rare. At this time, the clinical significance of this variant is uncertain due to the absence of conclusive functional and genetic evidence.

NM_001384900.1(SEMA3D):c.2314C>G (p.Pro772Ala)

Genes: SEMA3D (semaphorin 3D; minus strand), LOC126860094 (BRD4-independent group 4 enhancer GRCh37_chr7:84628763-84629962; plus strand). Cytogenetic location: 7q21.11.
Variant type: single nucleotide variant.
Coding change: c.2314C>G on transcript NM_001384900.1 (MANE Select); coding-DNA position 2314, C replaced by G.
Protein change: p.Pro772Ala; replaces proline 772 with alanine.
Molecular consequence: missense variant.
Genome position (GRCh38, 1-based): chr7:84,999,460, G>C on the plus strand (C>G on the coding strand, the complement: SEMA3D is on the minus strand). VCF-style: chr7-84999460-G-C. GRCh37 (hg19) VCF-style: chr7-84628776-G-C.
Other names: c.2314C>G, p.Pro772Ala (NM_001384901.1, NM_001384902.1, NM_001384903.1 and 1 more transcripts); short protein forms P772A.
Identifiers: ClinVar variation 3349927 (VCV003349927.2).